The following continues an entry in ClinVar:

NM_007294.4(BRCA1):c.1065G>A (p.Lys355=)

Gene: BRCA1. ClinVar aggregate classification (germline): Likely benign. Likely benign (1).

Submissions 16 to 24 of 24:

MVZ Praenatalmedizin und Genetik Nuernberg
Classification: Likely benign for Breast-ovarian cancer, familial, susceptibility to, 1. Last evaluated: 2018-05-01. Review status: no assertion criteria provided. Collection method: clinical testing. Allele origin: germline. Inheritance: Autosomal dominant inheritance. Affected: yes. Observed: 1 variant allele, 1 heterozygote. Not counted in ClinVar's aggregate classification.
Comment: This rare variant (gnomAD) was found multiple times in databases to be classified as uncertain or likely benign. Therefore we rate this variant as likely benign.

Counsyl
Classification: Likely benign for Breast-ovarian cancer, familial 1. Last evaluated: 2014-01-23. Review status: no assertion criteria provided. Collection method: literature only. Allele origin: unknown. Inheritance: Autosomal dominant inheritance. Not counted in ClinVar's aggregate classification.

Foulkes Cancer Genetics LDI, Lady Davis Institute for Medical Research
Classification: Benign for Breast and/or ovarian cancer. Last evaluated: 2012-06-19. Review status: no assertion criteria provided. Collection method: clinical testing. Allele origin: germline. Study: The Canadian Open Genetics Repository (COGR). Not counted in ClinVar's aggregate classification.

Breast Cancer Information Core (BIC) (BRCA1)
Classification: Benign for Breast-ovarian cancer, familial 1. Last evaluated: 2000-08-09. Review status: no assertion criteria provided. Collection method: clinical testing. Allele origin: germline, unknown. Affected: yes. Observed: 2 variant alleles. Not counted in ClinVar's aggregate classification.

Clinical Genetics DNA and cytogenetics Diagnostics Lab, Erasmus MC, Erasmus Medical Center
Classification: Likely benign. Review status: no assertion criteria provided. Collection method: clinical testing. Allele origin: germline. Affected: yes. Study: VKGL Data-share Consensus. Not counted in ClinVar's aggregate classification.

Clinical Genetics Laboratory, Department of Pathology, Netherlands Cancer Institute
Classification: Likely benign. Review status: no assertion criteria provided. Collection method: clinical testing. Allele origin: germline. Affected: yes. Study: VKGL Data-share Consensus. Not counted in ClinVar's aggregate classification.

Department of Pathology and Laboratory Medicine, Sinai Health System
Classification: Benign for Malignant tumor of breast. Review status: no assertion criteria provided. Collection method: clinical testing. Allele origin: unknown. Affected: yes. Study: The Canadian Open Genetics Repository (COGR). Not counted in ClinVar's aggregate classification.
Comment: The p.Lys355Lys variant was identified in 2 of 4244 proband chromosomes (frequency: 0.000) from individuals or families with hereditary breast and ovarian cancer (Borg 2010, Ricevuto 2001). The variant was also identified in dbSNP (ID: rs41286292) â€šÃ„ÃºWith other alleleâ€šÃ„Ã¹, with a minor allele frequency of 0.0002 (1000 Genomes Project), Exome Variant Server project in 1 of 8599 European American alleles, the ClinVar database 4X (classified as benign (BIC and GeneDx), likely benign (Counsyl) and uncertain significance (Invitae)), GeneInsight VariantWire database (2X, classified as â€šÃ„Ãºpredicted unlikely impactâ€šÃ„Ã¹ by a clinical laboratory), the BIC database (2X with no clinical importance), and UMD (17X as an unknown variant). In UMD the variant was identified with a co-occurring pathogenic BRCA1 variant (p.Val939LeufsX61), increasing the likelihood that the p.Lys355Lys variant does not have clinical significance. The variant was also identified by the Exome Aggregation Consortium (ExAC) database (released Oct 20th, 2014) in 22 of 66736 chromosomes (frequency: 0.0003297) from a population of European (Non-Finnish) individuals, although this low number of observations and low frequency is not substantive enough to determine the prevalence of the variant in the general population and its relationship to disease. The variant was also identified by our laboratory in 2 individuals with breast cancer. The p.Lys355Lys variant is not expected to have clinical significance because it does not result in a change of amino acid and is not located in a known consensus splice site. In addition, in silico or computational prediction software programs (SpliceSiteFinder, MaxEntScan, NNSPLICE, GeneSplicer, HumanSpliceFinder) do not predict a difference in splicing. In summary, based on the above information, this variant meets our laboratory's criteria to be classified as benign.

Genome Diagnostics Laboratory, University Medical Center Utrecht
Classification: Likely benign. Review status: no assertion criteria provided. Collection method: clinical testing. Allele origin: germline. Affected: yes. Study: VKGL Data-share Consensus. Not counted in ClinVar's aggregate classification.

Joint Genome Diagnostic Labs from Nijmegen and Maastricht, Radboudumc and MUMC+
Classification: Likely benign. Review status: no assertion criteria provided. Collection method: clinical testing. Allele origin: germline. Affected: yes. Study: VKGL Data-share Consensus. Not counted in ClinVar's aggregate classification.

Literature cited by the submitters: PubMed 16267036 (cited by Women's Health and Genetics/Laboratory Corporation of America, LabCorp); PubMed 18273839 (cited by Women's Health and Genetics/Laboratory Corporation of America, LabCorp); PubMed 11410501 (cited by Women's Health and Genetics/Laboratory Corporation of America, LabCorp); PubMed 20104584 (cited by Women's Health and Genetics/Laboratory Corporation of America, LabCorp and Counsyl); PubMed 12827452 (cited by Women's Health and Genetics/Laboratory Corporation of America, LabCorp); PubMed 23893897 (cited by Women's Health and Genetics/Laboratory Corporation of America, LabCorp).